The following is an entry in ClinVar:

NM_001148.6(ANK2):c.6598G>A (p.Gly2200Ser)

Gene: ANK2 (ankyrin 2; plus strand). Cytogenetic location: 4q26.
Variant type: single nucleotide variant.
Coding change: c.6598G>A on transcript NM_001148.6 (MANE Select); coding-DNA position 6598, G replaced by A.
Protein change: p.Gly2200Ser; replaces glycine 2200 with serine.
Molecular consequence: missense variant. On other transcripts: intron variant (68).
Genome position (GRCh38, 1-based): chr4:113,355,216, G>A. VCF-style: chr4-113355216-G-A. GRCh37 (hg19) VCF-style: chr4-114276372-G-A.
Other names: c.6364G>A, p.Gly2122Ser (NM_001386142.1); c.2998G>A, p.Gly1000Ser (NM_001386166.1); c.6739G>A, p.Gly2247Ser (NM_001386174.1); c.6715G>A, p.Gly2239Ser (NM_001386175.1); c.4411+4967G>A (NM_001386186.2, NM_001386148.2); c.4213+4967G>A (NM_001354269.3); c.4291+4967G>A (NM_001386187.2); c.4252+4967G>A (NM_001386147.1); and 35 more; short protein forms G1000S, G2122S, G2200S, G2239S, G2247S.
Identifiers: ClinVar variation 3362350 (VCV003362350.3).

ClinVar aggregate classification (germline): Uncertain significance (1 of 4 stars; one submission).

Conditions:
Cardiac arrhythmia, ankyrin-B-related. Also called: ANKYRIN-B SYNDROME. Identifiers: Orphanet 101016, Orphanet 768, MedGen C1970119, MONDO:0010958, OMIM 600919.

gnomAD v4.1: 1 of 1,614,114 alleles (0.000062%); highest among the groups gnomAD compares: South Asian, 0.0011%; no homozygotes.

Submission:

Neuberg Centre For Genomic Medicine, NCGM
Classification: Uncertain significance for Cardiac arrhythmia, ankyrin-B-related. Last evaluated: 2023-05-20. Review status: criteria provided, single submitter. Criteria: ACMG Guidelines, 2015. Collection method: clinical testing. Allele origin: germline. Inheritance: Autosomal dominant inheritance. Affected: yes.
Comment: The observed missense c.6598G>A(p.Gly2200Ser) variant in ANK2 gene has not been reported previously as a pathogenic variant nor a benign variant, to our knowledge. The p.Gly2200Ser variant has been reported with allele frequency of 0.0004% in gnomAD Exomes. This variant has not been submitted to the ClinVar database. Multiple lines of computational evidences (SIFT - Damaging and MutationTaster - Disease causing) predict a damaging effect on protein structure and function for this variant. The reference amino acid at this position on ANK2 gene is predicted as conserved by GERP++ and/or PhyloP across 100 vertebrates. The amino acid Gly at position 2200 is changed to a Ser changing protein sequence and it might alter its composition and physico-chemical properties. For these reasons, this variant has been classified as a Variant of Uncertain Significance (VUS).